The following is an entry in ClinVar:

ClinVar aggregate classification (germline): Uncertain significance (1 of 4 stars; one submission).

Submission:

Labcorp Genetics (formerly Invitae), Labcorp
Classification: Uncertain significance. Last evaluated: 2025-07-02. Review status: criteria provided, single submitter. Criteria: Invitae Variant Classification Sherloc (09022015). Collection method: clinical testing. Allele origin: germline.
Comment: This sequence change replaces valine, which is neutral and non-polar, with methionine, which is neutral and non-polar, at codon 1184 of the KMT2B protein (p.Val1184Met). This variant is not present in population databases (gnomAD no frequency). This variant has not been reported in the literature in individuals affected with KMT2B-related conditions. Invitae Evidence Modeling of protein sequence and biophysical properties (such as structural, functional, and spatial information, amino acid conservation, physicochemical variation, residue mobility, and thermodynamic stability) indicates that this missense variant is expected to disrupt KMT2B protein function with a positive predictive value of 80%. In summary, the available evidence is currently insufficient to determine the role of this variant in disease. Therefore, it has been classified as a Variant of Uncertain Significance.

NM_014727.3(KMT2B):c.3550G>A (p.Val1184Met)

Gene: KMT2B (lysine methyltransferase 2B; plus strand). Cytogenetic location: 19q13.12.
Variant type: single nucleotide variant.
Coding change: c.3550G>A on transcript NM_014727.3 (MANE Select); coding-DNA position 3550, G replaced by A.
Protein change: p.Val1184Met; replaces valine 1184 with methionine.
Molecular consequence: missense variant.
Genome position (GRCh38, 1-based): chr19:35,725,241, G>A. VCF-style: chr19-35725241-G-A. GRCh37 (hg19) VCF-style: chr19-36216142-G-A.
Other names: short protein forms V1184M.
Identifiers: ClinVar variation 4746111 (VCV004746111.1).